The following is an entry in ClinVar:

ClinVar aggregate classification (germline): Uncertain significance (1 of 4 stars; one submission).

Conditions:
Type A2 brachydactyly (BDA2). Also called: BRACHYMESOPHALANGY II; Brachymesophalangy type 2; MOHR-WRIEDT TYPE BRACHYDACTYLY. Identifiers: Orphanet 93396, MedGen C1832702, MONDO:0007216, OMIM 112600, HP:0009372.
Acromesomelic dysplasia 3 (AMD3). Also called: Acromesomelic dysplasia, Demirhan type; CHONDRODYSPLASIA, ACROMESOMELIC, WITH OR WITHOUT GENITAL ANOMALIES. Identifiers: MedGen C4225404, MONDO:0012274, OMIM 609441.

Allele frequency attached by ClinVar (database versions not stated): gnomAD exomes below 0.00001; TOPMed below 0.00001.
gnomAD v4.1: 2 of 1,613,828 alleles (0.00012%); highest among the groups gnomAD compares: Non-Finnish European, 0.00017%; no homozygotes.

Submission:

Labcorp Genetics (formerly Invitae), Labcorp
Classification: Uncertain significance for Type A2 brachydactyly; Acromesomelic dysplasia 3. Last evaluated: 2023-10-05. Review status: criteria provided, single submitter. Criteria: Invitae Variant Classification Sherloc (09022015). Collection method: clinical testing. Allele origin: germline.
Comment: This sequence change replaces serine, which is neutral and polar, with threonine, which is neutral and polar, at codon 186 of the BMPR1B protein (p.Ser186Thr). This variant is not present in population databases (gnomAD no frequency). This variant has not been reported in the literature in individuals affected with BMPR1B-related conditions. Advanced modeling of protein sequence and biophysical properties (such as structural, functional, and spatial information, amino acid conservation, physicochemical variation, residue mobility, and thermodynamic stability) performed at Invitae indicates that this missense variant is not expected to disrupt BMPR1B protein function. In summary, the available evidence is currently insufficient to determine the role of this variant in disease. Therefore, it has been classified as a Variant of Uncertain Significance.

NM_001203.3(BMPR1B):c.556T>A (p.Ser186Thr)

Gene: BMPR1B (bone morphogenetic protein receptor type 1B; plus strand). Cytogenetic location: 4q22.3.
Variant type: single nucleotide variant.
Coding change: c.556T>A on transcript NM_001203.3 (MANE Select); coding-DNA position 556, T replaced by A.
Protein change: p.Ser186Thr; replaces serine 186 with threonine.
Molecular consequence: missense variant.
Genome position (GRCh38, 1-based): chr4:95,125,092, T>A. VCF-style: chr4-95125092-T-A. GRCh37 (hg19) VCF-style: chr4-96046243-T-A.
Other names: c.556T>A, p.Ser186Thr (NM_001256792.2, NM_001256794.1); c.646T>A, p.Ser216Thr (NM_001256793.2); short protein forms S216T, S186T.
Identifiers: ClinVar variation 2923173 (VCV002923173.3), dbSNP rs1732811961, ClinGen allele CA357680325.
Genomic context (GRCh38, chr4:95,125,092, plus strand): 5'-GATGAAACTTACATTCCTCCTGGAGAATCCCTGAGAGACTTAATTGAGCAGTCTCAGAGC[T>A]CAGGAAGTGGATCAGGCCTCCCTCTGCTGGTATGAGAAGAACACATCTTGAATTTAAAGG-3'
Protein context (NP_001194.1, residues 176-196): LRDLIEQSQS[Ser186Thr]GSGSGLPLLV